The following is an entry in ClinVar:

ClinVar aggregate classification (germline): Likely pathogenic (1 of 4 stars; one submission).

Conditions:
Martsolf syndrome 2. Identifiers: MedGen C5543626, MONDO:0030376, OMIM 619420.
Warburg micro syndrome 1 (WARBM1). Identifiers: Orphanet 2510, MedGen C1838625, MONDO:0010822, OMIM 600118.

Submission:

First Genomix Gene Laboratory, Genetic Diagnostics Department
Classification: Likely pathogenic for Martsolf syndrome 2; Warburg micro syndrome 1. Last evaluated: 2025-08-06. Review status: criteria provided, single submitter. Criteria: ACMG Guidelines, 2015. Collection method: clinical testing. Allele origin: germline. Inheritance: Autosomal recessive inheritance. Affected: no. Observed: 1 variant allele.

NM_012233.3(RAB3GAP1):c.2218del (p.Trp740fs)

Gene: RAB3GAP1 (RAB3 GTPase activating protein catalytic subunit 1; plus strand). Cytogenetic location: 2q21.3.
Variant type: Deletion.
Coding change: c.2218del on transcript NM_012233.3 (MANE Select); coding-DNA position 2218, one base deleted (T; older notation c.2218delT).
Protein change: p.Trp740fs; shifts the reading frame from tryptophan 740.
Molecular consequence: frameshift variant.
Genome position (GRCh38, 1-based): chr2:135,153,805, T deleted. VCF-style (leftmost placement, unchanged base first): chr2-135153804-CT-C. GRCh37 (hg19) VCF-style: chr2-135911374-CT-C.
Other names: c.2218del, p.Trp740fs (NM_001172435.2); c.2218delT (NM_012233.3); short protein forms W740fs.
Identifiers: ClinVar variation 4850655 (VCV004850655.1).